The following is an entry in ClinVar:

ClinVar aggregate classification (germline): Uncertain significance. Review status: criteria provided, multiple submitters, no conflicts (2 of 4 stars). 2 submissions from 2 submitters: Uncertain significance (2). Last evaluated 2024-06-26.

Conditions:
Familial thoracic aortic aneurysm and aortic dissection (TAAD). Also called: Thoracic aortic aneurysms and dissections. Identifiers: Orphanet 91387, MedGen C4707243, MONDO:0019625.

Submissions (2):

Ambry Genetics
Classification: Uncertain significance for Familial thoracic aortic aneurysm and aortic dissection. Last evaluated: 2024-06-26. Review status: criteria provided, single submitter. Criteria: Ambry Variant Classification Scheme 2023. Collection method: clinical testing. Allele origin: germline.
Comment: The p.L81V variant (also known as c.241C>G), located in coding exon 2 of the CBS gene, results from a C to G substitution at nucleotide position 241. The leucine at codon 81 is replaced by valine, an amino acid with highly similar properties. This amino acid position is conserved. In addition, the in silico prediction for this alteration is inconclusive. Based on the available evidence, the clinical significance of this variant remains unclear.

Women's Health and Genetics/Laboratory Corporation of America, LabCorp
Classification: Uncertain significance. Last evaluated: 2023-07-21. Review status: criteria provided, single submitter. Criteria: LabCorp Variant Classification Summary - May 2015. Collection method: clinical testing. Allele origin: germline.

NM_000071.3(CBS):c.241C>G (p.Leu81Val)

Gene: CBS (cystathionine beta-synthase; minus strand). Cytogenetic location: 21q22.3.
Variant type: single nucleotide variant.
Coding change: c.241C>G on transcript NM_000071.3 (MANE Select); coding-DNA position 241, C replaced by G.
Protein change: p.Leu81Val; replaces leucine 81 with valine.
Molecular consequence: missense variant.
Genome position (GRCh38, 1-based): chr21:43,068,584, G>C on the plus strand (C>G on the coding strand, the complement: CBS is on the minus strand). VCF-style: chr21-43068584-G-C. GRCh37 (hg19) VCF-style: chr21-44488694-G-C.
Other names: c.241C>G, p.Leu81Val (NM_001178008.3, NM_001178009.3, NM_001320298.2); short protein forms L81V.
Identifiers: ClinVar variation 2577381 (VCV002577381.2), dbSNP rs1480481730, ClinGen allele CA410602142.
Genomic context (GRCh38, chr21:43,068,584, plus strand): 5'-GGCCGAACTTCTTCCCAATCTTGTTGATTCTGACCATAGGGGTGTCCCCGATTTTCTTCA[G>C]AATATCTGGCAAGATTTTTGGAGATTTTGCCCTGAAACAGAGGAGTCCACAATTATTCAG-3'
Protein context (NP_000062.1, residues 71-91): AKSPKILPDI[Leu81Val]KKIGDTPMVR